The following is an entry in ClinVar:

NM_004304.5(ALK):c.4276G>A (p.Val1426Ile)

Gene: ALK (ALK receptor tyrosine kinase; minus strand). Cytogenetic location: 2p23.2.
Variant type: single nucleotide variant.
Coding change: c.4276G>A on transcript NM_004304.5 (MANE Select); coding-DNA position 4276, G replaced by A.
Protein change: p.Val1426Ile; replaces valine 1426 with isoleucine.
Molecular consequence: missense variant.
Genome position (GRCh38, 1-based): chr2:29,193,811, C>T on the plus strand (G>A on the coding strand, the complement: ALK is on the minus strand). VCF-style: chr2-29193811-C-T. GRCh37 (hg19) VCF-style: chr2-29416677-C-T.
Other names: c.1072G>A, p.Val358Ile (NM_001353765.2); short protein forms V1426I, V358I.
Identifiers: ClinVar variation 568640 (VCV000568640.8), dbSNP rs1558604058, ClinGen allele CA346462868.
Genomic context (GRCh38, chr2:29,193,811, plus strand): 5'-TAGGCAGAGGTGGTGGGGCAGCTGGGCTGCGCTCCTCCTCCCGTTTTGCCTGTTGAGAGA[C>T]CAGGAGAGGAGGAACCCCCTCAGGGTCCTTGGGCCTCACAGGCACTTTCTCTTCCTCTTC-3'
Protein context (NP_004295.2, residues 1416-1436): KDPEGVPPLL[Val1426Ile]SQQAKREEER

ClinVar aggregate classification (germline): Uncertain significance (1 of 4 stars; one submission).

Conditions:
Neuroblastoma, susceptibility to, 3. Also called: ALK-Related Neuroblastic Tumor Susceptibility. Identifiers: Orphanet 635, MedGen C2751681, MONDO:0013083, OMIM 613014.

Submission:

Labcorp Genetics (formerly Invitae), Labcorp
Classification: Uncertain significance for Neuroblastoma, susceptibility to, 3. Last evaluated: 2021-10-09. Review status: criteria provided, single submitter. Criteria: Invitae Variant Classification Sherloc (09022015). Collection method: clinical testing. Allele origin: germline.
Comment: This sequence change replaces valine with isoleucine at codon 1426 of the ALK protein (p.Val1426Ile). The valine residue is highly conserved and there is a small physicochemical difference between valine and isoleucine. This variant is not present in population databases (ExAC no frequency). This variant has not been reported in the literature in individuals affected with ALK-related conditions. Algorithms developed to predict the effect of missense changes on protein structure and function are either unavailable or do not agree on the potential impact of this missense change (SIFT: "Deleterious"; PolyPhen-2: "Benign"; Align-GVGD: "Class C0"). In summary, the available evidence is currently insufficient to determine the role of this variant in disease. Therefore, it has been classified as a Variant of Uncertain Significance.